The following is an entry in ClinVar:

ClinVar aggregate classification (germline): Uncertain significance (1 of 4 stars; one submission).

Conditions:
Chédiak-Higashi syndrome (CHS). Also called: Chediak-Higashi Syndrome. Identifiers: Orphanet 167, MedGen C0007965, MONDO:0008963, OMIM 214500.

Submission:

Labcorp Genetics (formerly Invitae), Labcorp
Classification: Uncertain significance for Chédiak-Higashi syndrome. Last evaluated: 2024-12-27. Review status: criteria provided, single submitter. Criteria: Invitae Variant Classification Sherloc (09022015). Collection method: clinical testing. Allele origin: germline.
Comment: This sequence change replaces glutamine, which is neutral and polar, with arginine, which is basic and polar, at codon 2743 of the LYST protein (p.Gln2743Arg). This variant is not present in population databases (gnomAD no frequency). This variant has not been reported in the literature in individuals affected with LYST-related conditions. Invitae Evidence Modeling of protein sequence and biophysical properties (such as structural, functional, and spatial information, amino acid conservation, physicochemical variation, residue mobility, and thermodynamic stability) indicates that this missense variant is not expected to disrupt LYST protein function with a negative predictive value of 80%. In summary, the available evidence is currently insufficient to determine the role of this variant in disease. Therefore, it has been classified as a Variant of Uncertain Significance.

NM_000081.4(LYST):c.8228A>G (p.Gln2743Arg)

Gene: LYST (lysosomal trafficking regulator; minus strand). Cytogenetic location: 1q42.3.
Variant type: single nucleotide variant.
Coding change: c.8228A>G on transcript NM_000081.4 (MANE Select); coding-DNA position 8228, A replaced by G.
Protein change: p.Gln2743Arg; replaces glutamine 2743 with arginine.
Molecular consequence: missense variant.
Genome position (GRCh38, 1-based): chr1:235,741,552, T>C on the plus strand (A>G on the coding strand, the complement: LYST is on the minus strand). VCF-style: chr1-235741552-T-C. GRCh37 (hg19) VCF-style: chr1-235904852-T-C.
Other names: c.8228A>G, p.Gln2743Arg (NM_001301365.1); short protein forms Q2743R.
Identifiers: ClinVar variation 3666780 (VCV003666780.2).